The following is an entry in ClinVar:

NM_000512.5(GALNS):c.1126C>T (p.Arg376Trp)

Gene: GALNS (galactosamine (N-acetyl)-6-sulfatase; minus strand). Cytogenetic location: 16q24.3.
Variant type: single nucleotide variant.
Coding change: c.1126C>T on transcript NM_000512.5 (MANE Select); coding-DNA position 1126, C replaced by T.
Protein change: p.Arg376Trp; replaces arginine 376 with tryptophan.
Molecular consequence: missense variant.
Genome position (GRCh38, 1-based): chr16:88,826,715, G>A on the plus strand (C>T on the coding strand, the complement: GALNS is on the minus strand). VCF-style: chr16-88826715-G-A. GRCh37 (hg19) VCF-style: chr16-88893123-G-A.
Other names: c.571C>T, p.Arg191Trp (NM_001323543.2); c.1144C>T, p.Arg382Trp (NM_001323544.2); short protein forms R382W, R191W, R376W.
Identifiers: ClinVar variation 884852 (VCV000884852.7), dbSNP rs762690924, ClinGen allele CA8234819.
Genomic context (GRCh38, chr16:88,826,715, plus strand): 5'-TCACTACTTGGATCGGGGGAAGGGGCCGGGGCAGGTCTAGCACCAACCTGTCCATCAGCC[G>A]GCCCTGCAGGAGGGTGGGGAGGAGGTTGAGGCCATCAATGGCCCTGTCGCTGGGCGGCGT-3'
Protein context (NP_000503.1, residues 366-386): LNLLPTLLQG[Arg376Trp]LMDRPIFYYR

ClinVar aggregate classification (germline): Uncertain significance. Review status: criteria provided, multiple submitters, no conflicts (2 of 4 stars). 2 submissions from 2 submitters: Uncertain significance (2). Last evaluated 2022-02-25.

Conditions:
Mucopolysaccharidosis, MPS-IV-A (MPS4A). Also called: MPS IVA; Morquio syndrome A, mild; GALACTOSAMINE-6-SULFATASE DEFICIENCY; GALNS DEFICIENCY; MORQUIO A DISEASE; Mucopolysaccharidosis type IV A. Identifiers: Orphanet 309297, Orphanet 582, MedGen C0086651, MONDO:0009659, OMIM 253000.

Allele frequency attached by ClinVar (database versions not stated): gnomAD 0.00001; TOPMed 0.00009.
gnomAD v4.1: 22 of 1,612,418 alleles (0.0014%); highest among the groups gnomAD compares: Admixed American, 0.025%; no homozygotes.

Submissions (2):

Labcorp Genetics (formerly Invitae), Labcorp
Classification: Uncertain significance for Mucopolysaccharidosis, MPS-IV-A. Last evaluated: 2022-02-25. Review status: criteria provided, single submitter. Criteria: Invitae Variant Classification Sherloc (09022015). Collection method: clinical testing. Allele origin: germline.
Comment: This sequence change replaces arginine, which is basic and polar, with tryptophan, which is neutral and slightly polar, at codon 376 of the GALNS protein (p.Arg376Trp). This variant is present in population databases (rs762690924, gnomAD 0.04%). This variant has not been reported in the literature in individuals affected with GALNS-related conditions. ClinVar contains an entry for this variant (Variation ID: 884852). Algorithms developed to predict the effect of missense changes on protein structure and function are either unavailable or do not agree on the potential impact of this missense change (SIFT: "Deleterious"; PolyPhen-2: "Possibly Damaging"; Align-GVGD: "Class C0"). In summary, the available evidence is currently insufficient to determine the role of this variant in disease. Therefore, it has been classified as a Variant of Uncertain Significance.

Illumina Laboratory Services, Illumina
Classification: Uncertain significance for Mucopolysaccharidosis, MPS-IV-A. Last evaluated: 2017-04-27. Review status: criteria provided, single submitter. Criteria: ICSL Variant Classification Criteria 13 December 2019. Collection method: clinical testing. Allele origin: germline.